The following is an entry in ClinVar:

NM_001127671.2(LIFR):c.626T>C (p.Met209Thr)

Gene: LIFR (LIF receptor subunit alpha; minus strand). Cytogenetic location: 5p13.1.
Variant type: single nucleotide variant.
Coding change: c.626T>C on transcript NM_001127671.2 (MANE Select); coding-DNA position 626, T replaced by C.
Protein change: p.Met209Thr; replaces methionine 209 with threonine.
Molecular consequence: missense variant.
Genome position (GRCh38, 1-based): chr5:38,511,900, A>G on the plus strand (T>C on the coding strand, the complement: LIFR is on the minus strand). VCF-style: chr5-38511900-A-G. GRCh37 (hg19) VCF-style: chr5-38512002-A-G.
Other names: c.626T>C, p.Met209Thr (NM_001364297.2, NM_001364298.2, NM_002310.6); short protein forms M209T.
Identifiers: ClinVar variation 2191983 (VCV002191983.3), dbSNP rs182922893, ClinGen allele CA3243147.

ClinVar aggregate classification (germline): Uncertain significance. Review status: criteria provided, multiple submitters, no conflicts (2 of 4 stars). 3 submissions from 3 submitters: Uncertain significance (3). Last evaluated 2026-04-02.

Conditions:
Stüve-Wiedemann syndrome 1. Also called: STUVE-WIEDEMANN/SCHWARTZ-JAMPEL TYPE 2 SYNDROME. Identifiers: Orphanet 3206, MedGen C5676888, MONDO:0800043, OMIM 601559.

Allele frequency attached by ClinVar (database versions not stated): ESP Exome Variant Server 0.00023; TOPMed 0.00034; 1000 Genomes Project 0.00080; 1000 Genomes Project 30x 0.00094; ExAC 0.00010; gnomAD 0.00019.
gnomAD v4.1: 115 of 1,614,138 alleles (0.0071%); highest among the groups gnomAD compares: Middle Eastern, 0.049%; 2 homozygotes.

Submissions (3):

Women's Health and Genetics/Laboratory Corporation of America, LabCorp
Classification: Uncertain significance. Last evaluated: 2026-04-02. Review status: criteria provided, single submitter. Criteria: LabCorp Variant Classification Summary - May 2015. Collection method: clinical testing. Allele origin: germline.
Comment: Variant summary: LIFR c.626T>C (p.Met209Thr) results in a non-conservative amino acid change in the encoded protein sequence. Algorithms developed to predict the effect of missense changes on protein structure and function are either unavailable or do not agree on the potential impact of this missense change. The variant allele was found at a frequency of 0.00011 in 251062 control chromosomes (gnomAD). This frequency is not significantly higher than estimated for disease-causing variants in LIFR, allowing no conclusion about variant significance. To our knowledge, no occurrence of c.626T>C in individuals affected with LIFR-related conditions and no experimental evidence demonstrating its impact on protein function have been reported. ClinVar contains an entry for this variant (Variation ID: 2191983). Based on the evidence outlined above, the variant was classified as uncertain significance.

Fulgent Genetics
Classification: Uncertain significance for Stüve-Wiedemann syndrome 1. Last evaluated: 2024-04-25. Review status: criteria provided, single submitter. Criteria: ACMG Guidelines, 2015. Collection method: clinical testing. Allele origin: germline.

Labcorp Genetics (formerly Invitae), Labcorp
Classification: Uncertain significance. Last evaluated: 2022-04-25. Review status: criteria provided, single submitter. Criteria: Invitae Variant Classification Sherloc (09022015). Collection method: clinical testing. Allele origin: germline.
Comment: This sequence change replaces methionine, which is neutral and non-polar, with threonine, which is neutral and polar, at codon 209 of the LIFR protein (p.Met209Thr). This variant is present in population databases (rs182922893, gnomAD 0.02%). This variant has not been reported in the literature in individuals affected with LIFR-related conditions. Algorithms developed to predict the effect of missense changes on protein structure and function (SIFT, PolyPhen-2, Align-GVGD) all suggest that this variant is likely to be disruptive. In summary, the available evidence is currently insufficient to determine the role of this variant in disease. Therefore, it has been classified as a Variant of Uncertain Significance.